The following is an entry in ClinVar:

ClinVar aggregate classification (germline): Pathogenic (1 of 4 stars; one submission).

Submission:

Labcorp Genetics (formerly Invitae), Labcorp
Classification: Pathogenic. Last evaluated: 2025-12-22. Review status: criteria provided, single submitter. Criteria: Invitae Variant Classification Sherloc (09022015). Collection method: clinical testing. Allele origin: germline.
Comment: This sequence change affects a donor splice site in intron 2 of the LMX1B gene. RNA analysis indicates that disruption of this splice site induces altered splicing and may result in an absent or altered protein product. This variant is not present in population databases (gnomAD no frequency). Disruption of this splice site has been observed in individual(s) with nail-patella syndrome (PMID: 31513274). In at least one individual the variant was observed to be de novo. ClinVar contains an entry for this variant (Variation ID: 1070212). Studies have shown that disruption of this splice site results in skipping of exon 2, and produces a non-functional protein and/or introduces a premature termination codon (PMID: 31513274). For these reasons, this variant has been classified as Pathogenic.

Literature cited by the submitters: PubMed 31513274.

NM_001174147.2(LMX1B):c.326+1G>C

Gene: LMX1B (LIM homeobox transcription factor 1 beta; plus strand). Cytogenetic location: 9q33.3.
Variant type: single nucleotide variant.
Coding change: c.326+1G>C on transcript NM_001174147.2 (MANE Select); the canonical splice donor site of the intron after coding-DNA position 326, G replaced by C.
Molecular consequence: splice donor variant.
Genome position (GRCh38, 1-based): chr9:126,615,570, G>C. VCF-style: chr9-126615570-G-C. GRCh37 (hg19) VCF-style: chr9-129377849-G-C.
Other names: c.326+1G>C (NM_001174146.2, NM_002316.4).
Identifiers: ClinVar variation 1070212 (VCV001070212.8), dbSNP rs1835287461, ClinGen allele CA374910267.
Genomic context (GRCh38, chr9:126,615,570, plus strand): 5'-CCTCACCACCAGCTGCTACTTCCGGGATCGGAAACTGTACTGCAAACAAGACTACCAACA[G>C]TAAGCGCTTCTCGTCCTCCTTCCCCGCCACCGCCCGGCACTCGAGCCCGGTCAGCCCCCT-3'